The following is an entry in ClinVar:

ClinVar aggregate classification (germline): Uncertain significance (1 of 4 stars; one submission).

Allele frequency attached by ClinVar (database versions not stated): gnomAD exomes below 0.00001; gnomAD 0.00001; TOPMed 0.00002.
gnomAD v4.1: 4 of 1,613,980 alleles (0.00025%); highest among the groups gnomAD compares: African/African-American, 0.0013%; no homozygotes.

Submission:

Ambry Genetics
Classification: Uncertain significance. Last evaluated: 2024-03-28. Review status: criteria provided, single submitter. Criteria: Ambry Variant Classification Scheme 2023. Collection method: clinical testing. Allele origin: germline.
Comment: The p.N359S variant (also known as c.1076A>G), located in coding exon 11 of the KIF1B gene, results from an A to G substitution at nucleotide position 1076. The asparagine at codon 359 is replaced by serine, an amino acid with highly similar properties. This amino acid position is highly conserved in available vertebrate species. In addition, this alteration is predicted to be tolerated by in silico analysis. Since supporting evidence is limited at this time, the clinical significance of this alteration remains unclear.

NM_001365951.3(KIF1B):c.1094A>G (p.Asn365Ser)

Gene: KIF1B (kinesin family member 1B; plus strand). Cytogenetic location: 1p36.22.
Variant type: single nucleotide variant.
Coding change: c.1094A>G on transcript NM_001365951.3 (MANE Select); coding-DNA position 1094, A replaced by G.
Protein change: p.Asn365Ser; replaces asparagine 365 with serine.
Molecular consequence: missense variant.
Genome position (GRCh38, 1-based): chr1:10,278,042, A>G. VCF-style: chr1-10278042-A-G. GRCh37 (hg19) VCF-style: chr1-10338100-A-G.
Other names: c.1094A>G, p.Asn365Ser (NM_001365952.1); c.1076A>G, p.Asn359Ser (NM_001365953.1, NM_015074.3, NM_183416.4); short protein forms N365S, N359S.
Identifiers: ClinVar variation 1784857 (VCV001784857.2), dbSNP rs998331640, ClinGen allele CA17840481.